The following is an entry in ClinVar:

NM_001953.5(TYMP):c.866A>C (p.Glu289Ala)

Gene: TYMP (thymidine phosphorylase; minus strand). Cytogenetic location: 22q13.33.
Variant type: single nucleotide variant.
Coding change: c.866A>C on transcript NM_001953.5 (MANE Select); coding-DNA position 866, A replaced by C.
Protein change: p.Glu289Ala; replaces glutamic acid 289 with alanine.
Molecular consequence: missense variant.
Genome position (GRCh38, 1-based): chr22:50,526,638, T>G on the plus strand (A>C on the coding strand, the complement: TYMP is on the minus strand). VCF-style: chr22-50526638-T-G. GRCh37 (hg19) VCF-style: chr22-50965067-T-G.
Other names: Glu>Ala; c.866A>C, p.Glu289Ala (LRG_727t2, LRG_727t1, NM_001113755.3 and 3 more transcripts); short protein forms E289A.
Identifiers: ClinVar variation 16653 (VCV000016653.26), dbSNP rs121913036, ClinGen allele CA126758.

ClinVar aggregate classification (germline): Pathogenic. Review status: criteria provided, multiple submitters, no conflicts (2 of 4 stars). 11 submissions from 11 submitters: Pathogenic (9). 2 of the submissions do not count toward it. Last evaluated 2026-03-19.

Conditions:
TYMP-related disorder. Also called: TYMP-related condition.
Mitochondrial neurogastrointestinal encephalomyopathy. Also called: Mitochondrial neurogastrointestinal encephalopathy syndrome; MNGIE syndrome; Thymidine phosphorylase deficiency. Identifiers: Orphanet 298, MedGen C0872218, MONDO:0017575.
Mitochondrial DNA depletion syndrome 1. Also called: Mitochondrial Neurogastrointestinal Encephalopathy Disease; Mitochondrial neurogastrointestinal encephalomyopathy syndrome; Mitochondrial DNA Depletion Syndrome, MNGIE Form; MITOCHONDRIAL NEUROGASTROINTESTINAL ENCEPHALOPATHY SYNDROME, TYMP-RELATED; MNGIE, TYMP-RELATED; POLIP SYNDROME. Identifiers: Orphanet 298, MedGen C4551995, MONDO:0011283, OMIM 603041.

Allele frequency attached by ClinVar (database versions not stated): gnomAD exomes 0.00005 and 0.00006; ExAC 0.00015; TOPMed 0.00004; gnomAD 0.00005.
gnomAD v4.1: 90 of 1,570,278 alleles (0.0057%); highest among the groups gnomAD compares: Non-Finnish European, 0.0062%; no homozygotes.

Submissions (11):

Myriad Genetics, Inc.
Classification: Pathogenic for Mitochondrial DNA depletion syndrome 1. Last evaluated: 2026-03-19. Review status: criteria provided, single submitter. Criteria: Myriad Autosomal Dominant, Autosomal Recessive and X-Linked Classification Criteria (2023). Collection method: clinical testing. Allele origin: unknown.
Comment: NM_001953.4(TYMP):c.866A>C(E289A) is a missense variant classified as pathogenic in the context of mitochondrial neurogastrointestinal encephalopathy disease. E289A has been observed in cases with relevant disease (PMID: 9924029, 19344718, 20151198, 23341816, 31267951, 32849836, 33300680). Relevant functional assessments of this variant are not available in the literature. E289A has been observed in referenced population frequency databases. In summary, NM_001953.4(TYMP):c.866A>C(E289A) is a missense variant that has been observed more frequently in cases with the relevant disease than in healthy populations. Please note: this variant was assessed in the context of healthy population screening.

Labcorp Genetics (formerly Invitae), Labcorp
Classification: Pathogenic. Last evaluated: 2026-01-18. Review status: criteria provided, single submitter. Criteria: Invitae Variant Classification Sherloc (09022015). Collection method: clinical testing. Allele origin: germline.
Comment: This sequence change replaces glutamic acid, which is acidic and polar, with alanine, which is neutral and non-polar, at codon 289 of the TYMP protein (p.Glu289Ala). This variant is present in population databases (rs121913036, gnomAD 0.06%). This missense change has been observed in individuals with TYMP-related conditions (PMID: 9924029, 10852545, 15781193, 20151198, 23341816). It has also been observed to segregate with disease in related individuals. ClinVar contains an entry for this variant (Variation ID: 16653). Invitae Evidence Modeling of protein sequence and biophysical properties (such as structural, functional, and spatial information, amino acid conservation, physicochemical variation, residue mobility, and thermodynamic stability) has been performed for this missense variant. However, the output from this modeling did not meet the statistical confidence thresholds required to predict the impact of this variant on TYMP protein function. For these reasons, this variant has been classified as Pathogenic.

Natera, Inc.
Classification: Pathogenic for Mitochondrial neurogastrointestinal encephalomyopathy. Last evaluated: 2025-06-09. Review status: criteria provided, single submitter. Criteria: Natera Variant Classification Schema (03/2026). Collection method: clinical testing. Allele origin: germline.
Comment: The c.866A>C variant in TYMP is a missense variant predicted to cause substitution of glutamic acid to alanine at amino acid 289. This variant is rare in the general population with a frequency below the threshold expected for the associated phenotype(s). This variant has been observed in one or more individuals affected with the associated recessive disease, as either homozygous or compound heterozygous with a second variant (PMID: 10852545). Given the available evidence, this variant is classified as Pathogenic.

GeneDx
Classification: Pathogenic. Last evaluated: 2025-01-24. Review status: criteria provided, single submitter. Criteria: GeneDx Variant Classification Process June 2021. Collection method: clinical testing. Allele origin: germline. Affected: yes.
Comment: In silico analysis supports that this missense variant has a deleterious effect on protein structure/function; This variant is associated with the following publications: (PMID: 19344718, 20151198, 10852545, 18787099, 21503690, 9924029, 24199812, 23430799, 23341816, 19748572, 19221117, 31267951, 33300680, 32849836)

Revvity Omics, Revvity
Classification: Pathogenic for Mitochondrial DNA depletion syndrome 1. Last evaluated: 2024-11-22. Review status: criteria provided, single submitter. Criteria: ACMG Guidelines, 2015. Collection method: clinical testing. Allele origin: germline.

Blueprint Genetics
Classification: Pathogenic for TYMP-related disorders. Last evaluated: 2024-04-04. Review status: criteria provided, single submitter. Criteria: ACMG Guidelines, 2015. Collection method: clinical testing. Allele origin: germline. Affected: yes. Observed: 4 variant alleles.

Department of Pathophysiology and Transplantation, University of Milan
Classification: Pathogenic for Mitochondrial DNA depletion syndrome 1. Last evaluated: 2020-07-04. Review status: criteria provided, single submitter. Criteria: ACMG Guidelines, 2015. Collection method: clinical testing. Allele origin: germline. Affected: yes.

Fulgent Genetics
Classification: Pathogenic for Mitochondrial DNA depletion syndrome 1. Last evaluated: 2018-10-31. Review status: criteria provided, single submitter. Criteria: ACMG Guidelines, 2015. Collection method: clinical testing. Allele origin: unknown.

Illumina Laboratory Services, Illumina
Classification: Pathogenic for Mitochondrial DNA depletion syndrome 1. Last evaluated: 2018-10-09. Review status: criteria provided, single submitter. Criteria: ICSL Variant Classification Criteria 09 May 2019. Collection method: clinical testing. Allele origin: germline.
Comment: The TYMP c.866A>C (p.Glu289Ala) missense variant has been reported in at least five studies and is found in a total of 12 individuals with mitochondrial neurogastrointestinal encophalopathy disease (MNGIE), including in at least four in a homozygous state and in eight in a compound heterozygous state (Nishino et al. 1999; Amiot et al. 2009; Bakker et al. 2010; Scarpelli et al. 2012; Finkenstedt et al. 2012). As of 2010, fewer than 70 individuals with features consistent with MNGIE had been reported, according to Gene Reviews (Shoffner, 2010). The p.Glu289Ala variant was absent from 63 control subjects and is reported at a frequency of 0.000604 in the Ashkenazi Jewish population of the Genome Aggregation Database. Assays of TYMP activity level in peripheral leukocytes from six affected individuals, including one homozygote and two compound heterozygotes with the p.Glu289Ala variant, and 19 controls revealed that probands had either no detectable TYMP activity or activity that was less than 5% of controls (Nishino et al. 1999). Based on the evidence, the p.Glu289Ala variant is classified as pathogenic for mitochondrial neurogastrointestinal encophalopathy disease. This variant was observed by ICSL as part of a predisposition screen in an ostensibly healthy population.

GeneReviews
Classification: Pathogenic for Mitochondrial DNA depletion syndrome 1. Last evaluated: 2016-01-14. Review status: no assertion criteria provided. Collection method: literature only. Allele origin: germline. Affected: yes. Not counted in ClinVar's aggregate classification.

OMIM
Classification: Pathogenic for MITOCHONDRIAL DNA DEPLETION SYNDROME 1 (MNGIE TYPE). Last evaluated: 1999-01-29. Review status: no assertion criteria provided. Collection method: literature only. Allele origin: germline. Not counted in ClinVar's aggregate classification.

Literature cited by the submitters: PubMed 19344718 (cited by Myriad Genetics, Inc. and Illumina Laboratory Services, Illumina); PubMed 20151198 (cited by 3 submitters); PubMed 23341816 (cited by 3 submitters); PubMed 31267951 (cited by Myriad Genetics, Inc.); PubMed 32849836 (cited by Myriad Genetics, Inc.); PubMed 33300680 (cited by Myriad Genetics, Inc.); PubMed 9924029 (cited by 6 submitters); PubMed 10852545 (cited by Labcorp Genetics (formerly Invitae), Labcorp and Natera, Inc.); PubMed 15781193 (cited by Labcorp Genetics (formerly Invitae), Labcorp); PubMed 20301358 (cited by Illumina Laboratory Services, Illumina); PubMed 23430799 (cited by Illumina Laboratory Services, Illumina).